The following is an entry in ClinVar:

NM_031924.8(RSPH3):c.-120C>A

Gene: RSPH3 (radial spoke head 3; minus strand). Cytogenetic location: 6q25.3.
Variant type: single nucleotide variant.
Coding change: c.-120C>A on transcript NM_031924.8 (MANE Select); 120 bases upstream of the start codon, C replaced by A.
Molecular consequence: 5 prime UTR variant. On other transcripts: missense variant (1), non-coding transcript variant (1).
Genome position (GRCh38, 1-based): chr6:158,999,670, G>T on the plus strand (C>A on the coding strand, the complement: RSPH3 is on the minus strand). VCF-style: chr6-158999670-G-T. GRCh37 (hg19) VCF-style: chr6-159420702-G-T.
Other names: c.307C>A, p.Leu103Ile (NM_001346418.1); short protein forms L103I.
Identifiers: ClinVar variation 977556 (VCV000977556.10), dbSNP rs140068249, ClinGen allele CA4076041.

ClinVar aggregate classification (germline): Uncertain significance. Review status: criteria provided, multiple submitters, no conflicts (2 of 4 stars). 3 submissions from 3 submitters: Uncertain significance (3). Last evaluated 2025-06-18.

Conditions:
Primary ciliary dyskinesia 32. Also called: CILIARY DYSKINESIA, PRIMARY, 32, WITHOUT SITUS INVERSUS. Identifiers: Orphanet 244, MedGen C4225311, MONDO:0014657, OMIM 616481.
Inborn genetic diseases. Identifiers: MedGen C0950123, MeSH D030342.
Primary ciliary dyskinesia. Also called: Ciliary dyskinesia. Identifiers: Orphanet 244, MedGen C0008780, MONDO:0016575, HP:0012265.

Allele frequency attached by ClinVar (database versions not stated): ExAC 0.00003; TOPMed 0.00003; gnomAD 0.00004; gnomAD exomes 0.00006; ESP Exome Variant Server 0.00008.
gnomAD v4.1: 129 of 1,614,026 alleles (0.008%); highest among the groups gnomAD compares: Non-Finnish European, 0.01%; no homozygotes.

Submissions (3):

Ambry Genetics
Classification: Uncertain significance for Inborn genetic diseases. Last evaluated: 2025-06-18. Review status: criteria provided, single submitter. Criteria: Ambry Variant Classification Scheme 2023. Collection method: clinical testing. Allele origin: germline.

Labcorp Genetics (formerly Invitae), Labcorp
Classification: Uncertain significance for Primary ciliary dyskinesia 32. Last evaluated: 2023-11-21. Review status: criteria provided, single submitter. Criteria: Invitae Variant Classification Sherloc (09022015). Collection method: clinical testing. Allele origin: germline.
Comment: This sequence change replaces leucine, which is neutral and non-polar, with isoleucine, which is neutral and non-polar, at codon 103 of the RSPH3 protein (p.Leu103Ile). This variant is present in population databases (rs140068249, gnomAD 0.01%). This variant has not been reported in the literature in individuals affected with RSPH3-related conditions. ClinVar contains an entry for this variant (Variation ID: 977556). An algorithm developed to predict the effect of missense changes on protein structure and function (PolyPhen-2) suggests that this variant¬†is likely to be tolerated. In summary, the available evidence is currently insufficient to determine the role of this variant in disease. Therefore, it has been classified as a Variant of Uncertain Significance.

UNC Molecular Genetics  Laboratory, University of North Carolina at Chapel Hill
Classification: Uncertain significance for Primary ciliary dyskinesia. Last evaluated: 2017-12-15. Review status: criteria provided, single submitter. Criteria: ACMG Guidelines, 2015. Collection method: clinical testing. Allele origin: germline. Observed: 1 heterozygote.